The following is an entry in ClinVar:

ClinVar aggregate classification (germline): Uncertain significance (1 of 4 stars; one submission).

Conditions:
Ataxia-telangiectasia syndrome (AT). Also called: Ataxia-telangiectasia, complementation group D; ATAXIA-TELANGIECTASIA, COMPLEMENTATION GROUP A; ATAXIA-TELANGIECTASIA, FRESNO VARIANT; Ataxia-telangiectasia; Ataxia-telangiectasia, complementation group E; LOUIS-BAR SYNDROME. Identifiers: Orphanet 100, MedGen C0004135, MONDO:0008840, OMIM 208900.

Submission:

Labcorp Genetics (formerly Invitae), Labcorp
Classification: Uncertain significance for Ataxia-telangiectasia syndrome. Last evaluated: 2025-10-26. Review status: criteria provided, single submitter. Criteria: Invitae Variant Classification Sherloc (09022015). Collection method: clinical testing. Allele origin: germline.
Comment: This sequence change replaces histidine, which is basic and polar, with tyrosine, which is neutral and polar, at codon 183 of the ATM protein (p.His183Tyr). This variant is not present in population databases (gnomAD no frequency). This variant has not been reported in the literature in individuals affected with ATM-related conditions. ClinVar contains an entry for this variant (Variation ID: 1036848). Invitae Evidence Modeling of protein sequence and biophysical properties (such as structural, functional, and spatial information, amino acid conservation, physicochemical variation, residue mobility, and thermodynamic stability) indicates that this missense variant is not expected to disrupt ATM protein function with a negative predictive value of 95%. In summary, the available evidence is currently insufficient to determine the role of this variant in disease. Therefore, it has been classified as a Variant of Uncertain Significance.

NM_000051.4(ATM):c.547C>T (p.His183Tyr)

Gene: ATM (ATM serine/threonine kinase; plus strand). Cytogenetic location: 11q22.3.
Variant type: single nucleotide variant.
Coding change: c.547C>T on transcript NM_000051.4 (MANE Select); coding-DNA position 547, C replaced by T.
Protein change: p.His183Tyr; replaces histidine 183 with tyrosine.
Molecular consequence: missense variant.
Genome position (GRCh38, 1-based): chr11:108,244,003, C>T. VCF-style: chr11-108244003-C-T. GRCh37 (hg19) VCF-style: chr11-108114730-C-T.
Other names: c.547C>T, p.His183Tyr (NM_001351834.2); short protein forms H183Y.
Identifiers: ClinVar variation 1036848 (VCV001036848.8), dbSNP rs1409889384, ClinGen allele CA382527685.
Genomic context (GRCh38, chr11:108,244,003, plus strand): 5'-TTTTTTTAAGAATTGTTCTCTGTGTACTTCAGGCTCTATCTGAAACCTTCACAAGATGTT[C>T]ATAGAGTTTTAGTGGCTAGAATAATTCATGCTGTTACCAAAGGATGCTGTTCTCAGACTG-3'
Protein context (NP_000042.3, residues 173-193): RLYLKPSQDV[His183Tyr]RVLVARIIHA